The following is an entry in ClinVar:

NM_001375524.1(TRRAP):c.1905C>T (p.Phe635=)

Gene: TRRAP (transformation/transcription domain associated protein; plus strand). Cytogenetic location: 7q22.1.
Variant type: single nucleotide variant.
Coding change: c.1905C>T on transcript NM_001375524.1 (MANE Select); coding-DNA position 1905, C replaced by T.
Protein change: p.Phe635=; no amino-acid change (phenylalanine 635 retained).
Molecular consequence: synonymous variant.
Genome position (GRCh38, 1-based): chr7:98,911,169, C>T. VCF-style: chr7-98911169-C-T. GRCh37 (hg19) VCF-style: chr7-98508792-C-T.
Other names: c.1905C>T, p.Phe635= (NM_001244580.2, NM_003496.4).
Identifiers: ClinVar variation 735000 (VCV000735000.32), dbSNP rs149527392, ClinGen allele CA4359647.
Genomic context (GRCh38, chr7:98,911,169, plus strand): 5'-CCGTGTGGCCAACTGCCAGACTGTGAGAATGAAAGAGGAGAAGGAGGTATTGGAGCATTT[C>T]GCTGGTGTGTTCACAATGATGAACCCCTTAACGTTCAAAGAAATCTTCCAAACTACGGTC-3'
Protein context (NP_001362453.1, residues 625-645): MKEEKEVLEH[Phe635=]AGVFTMMNPL

ClinVar aggregate classification (germline): Benign/Likely benign. Review status: criteria provided, multiple submitters, no conflicts (2 of 4 stars). 4 submissions from 4 submitters: Benign (2); Likely benign (2). Last evaluated 2026-01-31.

Allele frequency attached by ClinVar (database versions not stated): gnomAD exomes 0.00033 and 0.00015; ExAC 0.00041; 1000 Genomes Project 0.00100; 1000 Genomes Project 30x 0.00109; gnomAD 0.00125 and 0.00137; TOPMed 0.00149; ESP Exome Variant Server 0.00169.
gnomAD v4.1: 424 of 1,614,138 alleles (0.026%); highest among the groups gnomAD compares: African/African-American, 0.45%; 2 homozygotes.

Submissions (4):

Labcorp Genetics (formerly Invitae), Labcorp
Classification: Benign. Last evaluated: 2026-01-31. Review status: criteria provided, single submitter. Criteria: Invitae Variant Classification Sherloc (09022015). Collection method: clinical testing. Allele origin: germline.

Blueprint Genetics
Classification: Likely benign. Last evaluated: 2024-10-31. Review status: criteria provided, single submitter. Criteria: ACMG Guidelines, 2015. Collection method: clinical testing. Allele origin: germline.

CeGaT Center for Human Genetics Tuebingen
Classification: Likely benign. Last evaluated: 2024-08-01. Review status: criteria provided, single submitter. Criteria: CeGaT Center For Human Genetics Tuebingen Variant Classification Criteria Version 2. Collection method: clinical testing. Allele origin: germline. Affected: yes. Observed: 2 variant alleles.
Comment: TRRAP: BP4, BP7

Breakthrough Genomics
Classification: Benign. Review status: criteria provided, single submitter. Criteria: ACMG Guidelines, 2015. Collection method: not provided. Allele origin: germline. Inheritance: Autosomal dominant inheritance. Affected: yes.